The following is an entry in ClinVar:

ClinVar aggregate classification (germline): Uncertain significance. Review status: criteria provided, multiple submitters, no conflicts (2 of 4 stars). 2 submissions from 2 submitters: Uncertain significance (2). Last evaluated 2026-08-06.

Conditions:
Emery-Dreifuss muscular dystrophy 4, autosomal dominant (EDMD4). Also called: EMERY-DREIFUSS MUSCULAR DYSTROPHY 4 WITH VARIABLE FEATURES. Identifiers: Orphanet 261, MedGen C2751807, MONDO:0013071, OMIM 612998.
Autosomal recessive ataxia, Beauce type. Also called: ATAXIA, RECESSIVE, OF BEAUCE; Spinocerebellar ataxia, autosomal recessive 8; SYNE1-Related Autosomal Recessive Cerebellar Ataxia; SYNE1 Deficiency. Identifiers: Orphanet 88644, MedGen C1853116, MONDO:0012549, OMIM 610743.

Submissions (2):

OLLIN Analises Genomicas, OLLIN
Classification: Uncertain significance for Emery-Dreifuss muscular dystrophy 4, autosomal dominant. Last evaluated: 2026-08-06. Review status: criteria provided, single submitter. Criteria: ACMG Guidelines 2015 PMID 25741868. Collection method: clinical testing. Allele origin: germline.
Comment: This missense variant, located in exon 110 (of 146), is absent from gnomAD and has not been identified in the literature. However, it has been reported in ClinVar (accession VCV002097946.4). In silico analysis is inconclusive regarding the impact of this variant. According to the currently available evidence, this variant has been classified as uncertain significance (PM2_P).

Labcorp Genetics (formerly Invitae), Labcorp
Classification: Uncertain significance for Emery-Dreifuss muscular dystrophy 4, autosomal dominant; Autosomal recessive ataxia, Beauce type. Last evaluated: 2022-02-17. Review status: criteria provided, single submitter. Criteria: Invitae Variant Classification Sherloc (09022015). Collection method: clinical testing. Allele origin: germline.
Comment: This sequence change replaces proline, which is neutral and non-polar, with serine, which is neutral and polar, at codon 6673 of the SYNE1 protein (p.Pro6673Ser). This variant is not present in population databases (gnomAD no frequency). This variant has not been reported in the literature in individuals affected with SYNE1-related conditions. Algorithms developed to predict the effect of missense changes on protein structure and function (SIFT, PolyPhen-2, Align-GVGD) all suggest that this variant is likely to be disruptive. In summary, the available evidence is currently insufficient to determine the role of this variant in disease. Therefore, it has been classified as a Variant of Uncertain Significance.

NM_182961.4(SYNE1):c.20230C>T (p.Pro6744Ser)

Gene: SYNE1 (spectrin repeat containing nuclear envelope protein 1; minus strand). Cytogenetic location: 6q25.2.
Variant type: single nucleotide variant.
Coding change: c.20230C>T on transcript NM_182961.4 (MANE Select); coding-DNA position 20230, C replaced by T.
Protein change: p.Pro6744Ser; replaces proline 6744 with serine.
Molecular consequence: missense variant.
Genome position (GRCh38, 1-based): chr6:152,236,273, G>A on the plus strand (C>T on the coding strand, the complement: SYNE1 is on the minus strand). VCF-style: chr6-152236273-G-A. GRCh37 (hg19) VCF-style: chr6-152557408-G-A.
Other names: c.20017C>T, p.Pro6673Ser (NM_033071.5); short protein forms P6744S, P6673S.
Identifiers: ClinVar variation 2097946 (VCV002097946.5), dbSNP rs2551695217, ClinGen allele CA366122604.